The following is an entry in ClinVar:

NM_000051.4(ATM):c.8851-8C>T

Genes: ATM (ATM serine/threonine kinase; plus strand), C11orf65 (chromosome 11 open reading frame 65; minus strand). Cytogenetic location: 11q22.3.
Variant type: single nucleotide variant.
Coding change: c.8851-8C>T on transcript NM_000051.4 (MANE Select); 8 bases into the intron before coding-DNA position 8851, C replaced by T.
Molecular consequence: intron variant.
Genome position (GRCh38, 1-based): chr11:108,365,074, C>T. VCF-style: chr11-108365074-C-T. GRCh37 (hg19) VCF-style: chr11-108235801-C-T.
Other names: c.8851-8C>T (NM_001351834.2); c.640+20846G>A (NM_001330368.2); c.694+20846G>A (NM_001351110.2).
Identifiers: ClinVar variation 1091500 (VCV001091500.10), dbSNP rs768937303, ClinGen allele CA6266481.
Genomic context (GRCh38, chr11:108,365,074, plus strand): 5'-TCTACTGTTTCTAAGTATGTGATTAAAATGTACATTGTTCTTTTAATACATATGTTCTCT[C>T]TGTTTAGGTCCTTCTATATGATCCACTCTTTGACTGGACCATGAATCCTTTGAAAGCTTT-3'

ClinVar aggregate classification (germline): Likely benign. Review status: criteria provided, multiple submitters, no conflicts (2 of 4 stars). 2 submissions from 2 submitters: Likely benign (2). Last evaluated 2024-08-11.

Conditions:
Familial cancer of breast. Also called: Hereditary breast cancer; hereditary breast carcinoma; BREAST CANCER, FAMILIAL. Identifiers: Orphanet 227535, MedGen C0346153, MONDO:0016419, OMIM 114480. Disease mechanism: loss of function.
Ataxia-telangiectasia syndrome (AT). Also called: Ataxia telangiectasia (A-T); ATAXIA-TELANGIECTASIA, COMPLEMENTATION GROUP A; ATAXIA-TELANGIECTASIA, FRESNO VARIANT; Ataxia-telangiectasia; Ataxia-telangiectasia, complementation group E; LOUIS-BAR SYNDROME. Identifiers: Orphanet 100, MedGen C0004135, MONDO:0008840, OMIM 208900.

Allele frequency attached by ClinVar (database versions not stated): gnomAD exomes 0.00001 and below 0.00001; ExAC 0.00002.
gnomAD v4.1: 3 of 1,613,782 alleles (0.00019%); highest among the groups gnomAD compares: South Asian, 0.0011%; no homozygotes.

Submissions (2):

Labcorp Genetics (formerly Invitae), Labcorp
Classification: Likely benign for Ataxia-telangiectasia syndrome. Last evaluated: 2024-08-11. Review status: criteria provided, single submitter. Criteria: Invitae Variant Classification Sherloc (09022015). Collection method: clinical testing. Allele origin: germline.

Myriad Genetics, Inc.
Classification: Likely benign for Familial cancer of breast. Last evaluated: 2024-06-21. Review status: criteria provided, single submitter. Criteria: Myriad Autosomal Dominant, Autosomal Recessive and X-Linked Classification Criteria (2023). Collection method: clinical testing. Allele origin: unknown.
Comment: This variant is considered likely benign. This variant is intronic and is not expected to impact mRNA splicing.